The following is an entry in ClinVar:

NM_006017.3(PROM1):c.356T>G (p.Phe119Cys)

Gene: PROM1 (prominin 1; minus strand). Cytogenetic location: 4p15.32.
Variant type: single nucleotide variant.
Coding change: c.356T>G on transcript NM_006017.3 (MANE Select); coding-DNA position 356, T replaced by G.
Protein change: p.Phe119Cys; replaces phenylalanine 119 with cysteine.
Molecular consequence: missense variant.
Genome position (GRCh38, 1-based): chr4:16,033,457, A>C on the plus strand (T>G on the coding strand, the complement: PROM1 is on the minus strand). VCF-style: chr4-16033457-A-C. GRCh37 (hg19) VCF-style: chr4-16035080-A-C.
Other names: c.356T>G (NM_006017.2); c.329T>G, p.Phe110Cys (NM_001145847.2, NM_001145848.2, NM_001145851.2 and 4 more transcripts); c.356T>G, p.Phe119Cys (NM_001145849.2, NM_001145850.2); short protein forms F110C, F119C.
Identifiers: ClinVar variation 1018960 (VCV001018960.9), dbSNP rs758752833, ClinGen allele CA2867089.
Genomic context (GRCh38, chr4:16,033,457, plus strand): 5'-CATTTGTTACAGCAACGACACATACAAAAGAAATACCCCACCAGAGGCATCAGAATAATA[A>C]ACAGCAGCCCCAGGACACAGCATAGAATAATCCCTGCTTCATAGTAGACAATCTGCAATT-3'
Protein context (NP_006008.1, residues 109-129): IILCCVLGLL[Phe119Cys]IILMPLVGYF

ClinVar aggregate classification (germline): Uncertain significance. Review status: criteria provided, multiple submitters, no conflicts (2 of 4 stars). 2 submissions from 2 submitters: Uncertain significance (2). Last evaluated 2025-08-28.

Conditions:
Inborn genetic diseases. Identifiers: MedGen C0950123, MeSH D030342.

Allele frequency attached by ClinVar (database versions not stated): TOPMed below 0.00001; ExAC 0.00001; gnomAD exomes 0.00001.
gnomAD v4.1: 6 of 1,613,298 alleles (0.00037%); highest among the groups gnomAD compares: Non-Finnish European, 0.00051%; no homozygotes.

Submissions (2):

Ambry Genetics
Classification: Uncertain significance for Inborn genetic diseases. Last evaluated: 2025-08-28. Review status: criteria provided, single submitter. Criteria: Ambry Variant Classification Scheme 2023. Collection method: clinical testing. Allele origin: germline.

Labcorp Genetics (formerly Invitae), Labcorp
Classification: Uncertain significance. Last evaluated: 2024-08-21. Review status: criteria provided, single submitter. Criteria: Invitae Variant Classification Sherloc (09022015). Collection method: clinical testing. Allele origin: germline.
Comment: This sequence change replaces phenylalanine, which is neutral and non-polar, with cysteine, which is neutral and slightly polar, at codon 119 of the PROM1 protein (p.Phe119Cys). This variant is present in population databases (rs758752833, gnomAD 0.002%). This variant has not been reported in the literature in individuals affected with PROM1-related conditions. ClinVar contains an entry for this variant (Variation ID: 1018960). Invitae Evidence Modeling of protein sequence and biophysical properties (such as structural, functional, and spatial information, amino acid conservation, physicochemical variation, residue mobility, and thermodynamic stability) indicates that this missense variant is expected to disrupt PROM1 protein function with a positive predictive value of 80%. In summary, the available evidence is currently insufficient to determine the role of this variant in disease. Therefore, it has been classified as a Variant of Uncertain Significance.